The following is an entry in ClinVar:

ClinVar aggregate classification (germline): Uncertain significance (1 of 4 stars; one submission).

Conditions:
Hereditary nonpolyposis colorectal neoplasms. Identifiers: MedGen C0009405, MeSH D003123.

Submission:

Labcorp Genetics (formerly Invitae), Labcorp
Classification: Uncertain significance for Hereditary nonpolyposis colorectal neoplasms. Last evaluated: 2019-11-20. Review status: criteria provided, single submitter. Criteria: Invitae Variant Classification Sherloc (09022015). Collection method: clinical testing. Allele origin: germline.
Comment: In summary, the available evidence is currently insufficient to determine the role of this variant in disease. Therefore, it has been classified as a Variant of Uncertain Significance. Algorithms developed to predict the effect of missense changes on protein structure and function are either unavailable or do not agree on the potential impact of this missense change (SIFT: "Tolerated"; PolyPhen-2: "Probably Damaging"; Align-GVGD: "Class C0"). This variant has not been reported in the literature in individuals with MSH6-related conditions. This variant is not present in population databases (ExAC no frequency). This sequence change replaces tyrosine with histidine at codon 111 of the MSH6 protein (p.Tyr111His). The tyrosine residue is moderately conserved and there is a moderate physicochemical difference between tyrosine and histidine.

NM_000179.3(MSH6):c.331T>C (p.Tyr111His)

Gene: MSH6 (mutS homolog 6; plus strand). Cytogenetic location: 2p16.3.
Variant type: single nucleotide variant.
Coding change: c.331T>C on transcript NM_000179.3 (MANE Select); coding-DNA position 331, T replaced by C.
Protein change: p.Tyr111His; replaces tyrosine 111 with histidine.
Molecular consequence: missense variant. On other transcripts: 5 prime UTR variant (2), intron variant (1).
Genome position (GRCh38, 1-based): chr2:47,790,997, T>C. VCF-style: chr2-47790997-T-C. GRCh37 (hg19) VCF-style: chr2-48018136-T-C.
Other names: c.-406T>C (NM_001281493.2); c.-572T>C (NM_001281494.2); c.237+7527T>C (NM_001281492.2); short protein forms Y111H.
Identifiers: ClinVar variation 842563 (VCV000842563.10), dbSNP rs1668690176, ClinGen allele CA346736947.